The following is an entry in ClinVar:

NM_002734.5(PRKAR1A):c.654G>T (p.Lys218Asn)

Gene: PRKAR1A (protein kinase cAMP-dependent type I regulatory subunit alpha; plus strand). Cytogenetic location: 17q24.2.
Variant type: single nucleotide variant.
Coding change: c.654G>T on transcript NM_002734.5 (MANE Select); coding-DNA position 654, G replaced by T.
Protein change: p.Lys218Asn; replaces lysine 218 with asparagine.
Molecular consequence: missense variant.
Genome position (GRCh38, 1-based): chr17:68,525,858, G>T. VCF-style: chr17-68525858-G-T. GRCh37 (hg19) VCF-style: chr17-66521999-G-T.
Other names: c.654G>T, p.Lys218Asn (NM_001276289.2, NM_001276290.1, NM_001278433.2 and 4 more transcripts); short protein forms K218N.
Identifiers: ClinVar variation 5027330 (VCV005027330.1).
Genomic context (GRCh38, chr17:68,525,858, plus strand): 5'-GAGCTTTGGAGAACTTGCTTTGATTTATGGAACACCGAGAGCAGCCACTGTCAAAGCAAA[G>T]ACAAATGTGAAATTGTGGGGCATCGACCGAGACAGCTATAGAAGAATCCTCATGGTAAGA-3'
Protein context (NP_002725.1, residues 208-228): GTPRAATVKA[Lys218Asn]TNVKLWGIDR

ClinVar aggregate classification (germline): Uncertain significance (1 of 4 stars; one submission).

Conditions:
Hereditary cancer-predisposing syndrome. Also called: Neoplastic Syndromes, Hereditary; Tumor predisposition; Hereditary neoplastic syndrome; Hereditary Cancer Syndrome. Identifiers: Orphanet 140162, MedGen C0027672, MeSH D009386, MONDO:0015356.

Submission:

Ambry Genetics
Classification: Uncertain significance for Hereditary cancer-predisposing syndrome. Last evaluated: 2026-07-07. Review status: criteria provided, single submitter. Criteria: Ambry Variant Classification Scheme 2023. Collection method: clinical testing. Allele origin: germline.
Comment: The p.K218N variant (also known as c.654G>T), located in coding exon 6 of the PRKAR1A gene, results from a G to T substitution at nucleotide position 654. The lysine at codon 218 is replaced by asparagine, an amino acid with similar properties. This amino acid position is conserved. In addition, the in silico prediction for this alteration is inconclusive. Based on the available evidence, the clinical significance of this variant remains unclear.